The following is an entry in ClinVar:

NM_000138.5(FBN1):c.4211-10C>T

Genes: FBN1 (fibrillin 1; minus strand), LOC126862124 (CDK7 strongly-dependent group 2 enhancer GRCh37_chr15:48764566-48765765; plus strand). Cytogenetic location: 15q21.1.
Variant type: single nucleotide variant.
Coding change: c.4211-10C>T on transcript NM_000138.5 (MANE Select); 10 bases into the intron before coding-DNA position 4211, C replaced by T.
Molecular consequence: intron variant.
Genome position (GRCh38, 1-based): chr15:48,472,686, G>A on the plus strand (C>T on the coding strand, the complement: FBN1 is on the minus strand). VCF-style: chr15-48472686-G-A. GRCh37 (hg19) VCF-style: chr15-48764883-G-A.
Identifiers: ClinVar variation 457205 (VCV000457205.23), dbSNP rs28730793, ClinGen allele CA052232.

ClinVar aggregate classification (germline): Conflicting classifications of pathogenicity. Review status: criteria provided, conflicting classifications (1 of 4 stars). 13 submissions from 7 submitters: Uncertain significance (1); Benign (10); Likely benign (1). 1 of the submissions does not count toward it. Last evaluated 2026-02-02.

Conditions:
Geleophysic dysplasia. Identifiers: Orphanet 2623, MedGen C3489726, MONDO:0000127.
Weill-Marchesani syndrome. Also called: WM Syndrome; Mesodermal dysmorphodystrophy congenital. Identifiers: Orphanet 3449, MedGen C0265313, MONDO:0018096.
Marfan syndrome (MFS). Also called: MARFAN SYNDROME, TYPE I; FBN1-Related Marfan Syndrome; Marfan syndrome type 1; Marfan's syndrome; Marfan syndrome, classic. Identifiers: Orphanet 284963, Orphanet 558, MedGen C0024796, MONDO:0007947, OMIM 154700.
Familial thoracic aortic aneurysm and aortic dissection (TAAD). Also called: Thoracic aortic aneurysms and dissections. Identifiers: Orphanet 91387, MedGen C4707243, MONDO:0019625.
Acromicric dysplasia (ACMICD). Also called: Acromicric skeletal dysplasia. Identifiers: Orphanet 969, MedGen C0265287, MONDO:0007055, OMIM 102370.
Stiff skin syndrome (SSKS). Identifiers: Orphanet 2833, MedGen C1861456, MONDO:0008492, OMIM 184900.
Ectopia lentis 1, isolated, autosomal dominant (ECTOL1). Identifiers: Orphanet 1885, MedGen C3541518, MONDO:0007514, OMIM 129600.
FBN1-related disorder. Also called: FBN1-related disorders.

Allele frequency attached by ClinVar (database versions not stated): 1000 Genomes Project 30x 0.00094; TOPMed 0.00012; 1000 Genomes Project 0.00120; gnomAD 0.00017 and 0.00006; gnomAD exomes 0.00018 and 0.00019; ExAC 0.00021.
gnomAD v4.1: 293 of 1,614,136 alleles (0.018%); highest among the groups gnomAD compares: East Asian, 0.61%; 1 homozygote.

Submissions (13):

Labcorp Genetics (formerly Invitae), Labcorp
Classification: Benign for Marfan syndrome; Familial thoracic aortic aneurysm and aortic dissection. Last evaluated: 2026-02-02. Review status: criteria provided, single submitter. Criteria: Invitae Variant Classification Sherloc (09022015). Collection method: clinical testing. Allele origin: germline.

Women's Health and Genetics/Laboratory Corporation of America, LabCorp
Classification: Benign. Last evaluated: 2025-10-05. Review status: criteria provided, single submitter. Criteria: LabCorp Variant Classification Summary - May 2015. Collection method: clinical testing. Allele origin: germline.

Blueprint Genetics
Classification: Likely benign. Last evaluated: 2024-10-28. Review status: criteria provided, single submitter. Criteria: ACMG Guidelines, 2015. Collection method: clinical testing. Allele origin: germline.

All of Us Research Program, National Institutes of Health
Classification: Benign for Marfan syndrome. Last evaluated: 2024-02-05. Review status: criteria provided, single submitter. Criteria: ACMG Guidelines, 2015. Collection method: clinical testing. Allele origin: germline. Inheritance: Autosomal dominant inheritance. Observed: 27 variant alleles, 27 heterozygotes.
Comment: This study involves interpretation of variants in research participants for the purpose of population health screening. Participant phenotype was not available at the time of variant classification. Additional details can be found in publication PMID: 35346344, PMCID: PMC8962531

Color Diagnostics, LLC DBA Color Health
Classification: Benign for Familial thoracic aortic aneurysm and aortic dissection. Last evaluated: 2018-04-13. Review status: criteria provided, single submitter. Criteria: ACMG Guidelines, 2015. Collection method: clinical testing. Allele origin: germline.

Illumina Laboratory Services, Illumina
Classification: Benign for Geleophysic dysplasia. Last evaluated: 2018-01-12. Review status: criteria provided, single submitter. Criteria: ICSL Variant Classification Criteria 13 December 2019. Collection method: clinical testing. Allele origin: germline.
Comment: This variant was observed in the ICSL laboratory as part of a predisposition screen in an ostensibly healthy population. It had not been previously curated by ICSL or reported in the Human Gene Mutation Database (HGMD: prior to June 1st, 2018), and was therefore a candidate for classification through an automated scoring system. Utilizing variant allele frequency, disease prevalence and penetrance estimates, and inheritance mode, an automated score was calculated to assess if this variant is too frequent to cause the disease. Based on the score and internal cut-off values, a variant classified as benign is not then subjected to further curation. The score for this variant resulted in a classification of benign for this disease.

Illumina Laboratory Services, Illumina
Classification: Benign for Acromicric dysplasia. Last evaluated: 2018-01-12. Review status: criteria provided, single submitter. Criteria: ICSL Variant Classification Criteria 13 December 2019. Collection method: clinical testing. Allele origin: germline.
Comment: the same text as in the submission from Illumina Laboratory Services, Illumina above.

Illumina Laboratory Services, Illumina
Classification: Benign for Marfan syndrome. Last evaluated: 2018-01-12. Review status: criteria provided, single submitter. Criteria: ICSL Variant Classification Criteria 13 December 2019. Collection method: clinical testing. Allele origin: germline.
Comment: the same text as in the submission from Illumina Laboratory Services, Illumina above.

Illumina Laboratory Services, Illumina
Classification: Uncertain significance for Familial thoracic aortic aneurysm and aortic dissection. Last evaluated: 2018-01-12. Review status: criteria provided, single submitter. Criteria: ICSL Variant Classification Criteria 13 December 2019. Collection method: clinical testing. Allele origin: germline.

Illumina Laboratory Services, Illumina
Classification: Benign for Ectopia lentis 1, isolated, autosomal dominant. Last evaluated: 2018-01-12. Review status: criteria provided, single submitter. Criteria: ICSL Variant Classification Criteria 13 December 2019. Collection method: clinical testing. Allele origin: germline.
Comment: the same text as in the submission from Illumina Laboratory Services, Illumina above.

Illumina Laboratory Services, Illumina
Classification: Benign for Stiff skin syndrome. Last evaluated: 2018-01-12. Review status: criteria provided, single submitter. Criteria: ICSL Variant Classification Criteria 13 December 2019. Collection method: clinical testing. Allele origin: germline.
Comment: the same text as in the submission from Illumina Laboratory Services, Illumina above.

Illumina Laboratory Services, Illumina
Classification: Benign for Weill-Marchesani syndrome. Last evaluated: 2018-01-12. Review status: criteria provided, single submitter. Criteria: ICSL Variant Classification Criteria 13 December 2019. Collection method: clinical testing. Allele origin: germline.
Comment: the same text as in the submission from Illumina Laboratory Services, Illumina above.

PreventionGenetics, part of Exact Sciences
Classification: Likely benign for FBN1-related condition. Last evaluated: 2023-12-11. Review status: no assertion criteria provided. Collection method: clinical testing. Allele origin: germline. Not counted in ClinVar's aggregate classification.
Comment: This variant is classified as likely benign based on ACMG/AMP sequence variant interpretation guidelines (Richards et al. 2015 PMID: 25741868, with internal and published modifications).